The following is an entry in ClinVar:

NM_003560.4(PLA2G6):c.380T>C (p.Val127Ala)

Gene: PLA2G6 (phospholipase A2 group VI; minus strand). Cytogenetic location: 22q13.1.
Variant type: single nucleotide variant.
Coding change: c.380T>C on transcript NM_003560.4 (MANE Select); coding-DNA position 380, T replaced by C.
Protein change: p.Val127Ala; replaces valine 127 with alanine.
Molecular consequence: missense variant. On other transcripts: 5 prime UTR variant (3).
Genome position (GRCh38, 1-based): chr22:38,145,483, A>G on the plus strand (T>C on the coding strand, the complement: PLA2G6 is on the minus strand). VCF-style: chr22-38145483-A-G. GRCh37 (hg19) VCF-style: chr22-38541490-A-G.
Other names: c.380T>C, p.Val127Ala (NM_001004426.3, NM_001199562.3, NM_001349864.2 and 2 more transcripts); c.-155T>C (NM_001349867.2, NM_001349869.2); c.-111T>C (NM_001349868.2); short protein forms V127A.
Identifiers: ClinVar variation 800535 (VCV000800535.1), dbSNP rs1602184043, ClinGen allele CA411532167.

ClinVar aggregate classification (germline): Uncertain significance (1 of 4 stars; one submission).

Conditions:
Infantile neuroaxonal dystrophy (NBIA2A). Also called: NEURODEGENERATION WITH BRAIN IRON ACCUMULATION 2A; SEITELBERGER DISEASE; Infantile neuroaxonal dystrophy 1. Identifiers: Orphanet 35069, MedGen C0270724, MONDO:0024457, OMIM 256600.

Submission:

Broad Center for Mendelian Genomics, Broad Institute of MIT and Harvard
Classification: Uncertain significance for Infantile neuroaxonal dystrophy. Last evaluated: 2018-11-15. Review status: criteria provided, single submitter. Criteria: ACMG Guidelines, 2015. Collection method: research. Allele origin: germline. Inheritance: Autosomal recessive inheritance. Affected: yes.
Comment: This variant was absent from large population studies. Computational prediction tools and conservation analyses suggest that this variant may not impact the protein, though this information is not predictive enough to rule out pathogenicity. In summary, the clinical significance of the p.Val127Ala variant is uncertain.